The following is an entry in ClinVar:

ClinVar aggregate classification (germline): Conflicting classifications of pathogenicity. Review status: criteria provided, conflicting classifications (1 of 4 stars). 3 submissions from 3 submitters: Uncertain significance (2); Likely benign (1). Last evaluated 2025-12-11.

Conditions:
Acute myeloid leukemia (AML). Also called: Acute myeloid leukemia, adult; AML adult; Acute non-lymphocytic leukemia; Acute granulocytic leukemia; Leukemia, acute myelogenous, somatic; Leukemia, acute myeloid, somatic. Identifiers: Orphanet 519, MedGen C0023467, MeSH D015470, MONDO:0018874, OMIM 601626, HP:0004808. Disease mechanism: Constitutively activated FLT3.
Inborn genetic diseases. Identifiers: MedGen C0950123, MeSH D030342.

Allele frequency attached by ClinVar (database versions not stated): TOPMed 0.00001; gnomAD exomes 0.00002.
gnomAD v4.1: 4 of 1,428,720 alleles (0.00028%); highest among the groups gnomAD compares: African/African-American, 0.0015%; no homozygotes.

Submissions (3):

Labcorp Genetics (formerly Invitae), Labcorp
Classification: Uncertain significance for Acute myeloid leukemia. Last evaluated: 2025-12-11. Review status: criteria provided, single submitter. Criteria: Invitae Variant Classification Sherloc (09022015). Collection method: clinical testing. Allele origin: germline.
Comment: This sequence change replaces proline, which is neutral and non-polar, with threonine, which is neutral and polar, at codon 34 of the CEBPA protein (p.Pro34Thr). This variant is present in population databases (no rsID available, gnomAD 0.008%). This variant has not been reported in the literature in individuals affected with CEBPA-related conditions. ClinVar contains an entry for this variant (Variation ID: 1035441). An algorithm developed to predict the effect of missense changes on protein structure and function (PolyPhen-2) suggests that this variant is likely to be tolerated. In summary, the available evidence is currently insufficient to determine the role of this variant in disease. Therefore, it has been classified as a Variant of Uncertain Significance.

Ambry Genetics
Classification: Likely benign for Inborn genetic diseases. Last evaluated: 2025-02-07. Review status: criteria provided, single submitter. Criteria: Ambry Variant Classification Scheme 2023. Collection method: clinical testing. Allele origin: germline.

Baylor Genetics
Classification: Uncertain significance for Acute myeloid leukemia. Last evaluated: 2023-08-30. Review status: criteria provided, single submitter. Criteria: ACMG Guidelines, 2015. Collection method: clinical testing. Allele origin: unknown.

NM_004364.5(CEBPA):c.100C>A (p.Pro34Thr)

Gene: CEBPA (CCAAT enhancer binding protein alpha; minus strand). Cytogenetic location: 19q13.11.
Variant type: single nucleotide variant.
Coding change: c.100C>A on transcript NM_004364.5 (MANE Select); coding-DNA position 100, C replaced by A.
Protein change: p.Pro34Thr; replaces proline 34 with threonine.
Molecular consequence: missense variant. On other transcripts: 5 prime UTR variant (1).
Genome position (GRCh38, 1-based): chr19:33,302,315, G>T on the plus strand (C>A on the coding strand, the complement: CEBPA is on the minus strand). VCF-style: chr19-33302315-G-T. GRCh37 (hg19) VCF-style: chr19-33793221-G-T.
Other names: c.-258C>A (NM_001285829.2); c.205C>A, p.Pro69Thr (NM_001287424.2); c.58C>A, p.Pro20Thr (NM_001287435.2); c.100C>A (NM_004364.3); short protein forms P20T, P69T, P34T.
Identifiers: ClinVar variation 1035441 (VCV001035441.10), dbSNP rs996435066, ClinGen allele CA307844436.